The following is an entry in ClinVar:

NM_000384.3(APOB):c.10845C>A (p.Asp3615Glu)

Gene: APOB (apolipoprotein B; minus strand). Cytogenetic location: 2p24.1.
Variant type: single nucleotide variant.
Coding change: c.10845C>A on transcript NM_000384.3 (MANE Select); coding-DNA position 10845, C replaced by A.
Protein change: p.Asp3615Glu; replaces aspartic acid 3615 with glutamic acid.
Molecular consequence: missense variant.
Genome position (GRCh38, 1-based): chr2:21,006,023, G>T on the plus strand (C>A on the coding strand, the complement: APOB is on the minus strand). VCF-style: chr2-21006023-G-T. GRCh37 (hg19) VCF-style: chr2-21228895-G-T.
Other names: short protein forms D3615E.
Identifiers: ClinVar variation 1803894 (VCV001803894.2), dbSNP rs2465358432, ClinGen allele CA345984853.
Genomic context (GRCh38, chr2:21,006,023, plus strand): 5'-ATTTTTCCATCTGATCTTCTGGTTCTTAGTGTTAGCATTCAGGGCCACTTCCTGGCCAAG[G>T]TCAGGGAAATCATGGAAGGAACTGGGCTGACTTGCATGGACCTGAACAAGAGCTGACATT-3'
Protein context (NP_000375.3, residues 3605-3625): SQPSSFHDFP[Asp3615Glu]LGQEVALNAN

ClinVar aggregate classification (germline): Uncertain significance (1 of 4 stars; one submission).

Conditions:
Familial hypobetalipoproteinemia 1. Also called: Hypobetalipoproteinemia, normotriglyceridemic; Acanthocytosis with hypobetalipoproteinemia; APOB-Related Familial Hypobetalipoproteinemia. Identifiers: MedGen C4551990, MONDO:0014252, OMIM 615558.
Hypercholesterolemia, autosomal dominant, type B (FHCL2). Also called: Familial Hypercholesterolemia Type B; APOLIPOPROTEIN B-100, FAMILIAL DEFECTIVE; APOLIPOPROTEIN B-100, FAMILIAL LIGAND-DEFECTIVE; HYPERCHOLESTEROLEMIA, FAMILIAL, DUE TO LIGAND-DEFECTIVE APOLIPOPROTEIN B; Familial hypercholesterolemia 2; APOB-Related Familial Hypercholesterolemia, Autosomal Dominant. Identifiers: MedGen C1704417, MONDO:0007751, OMIM 144010.

Submission:

New York Genome Center
Classification: Uncertain significance for Hypercholesterolemia, autosomal dominant, type B; Familial hypobetalipoproteinemia 1. Last evaluated: 2022-01-07. Review status: criteria provided, single submitter. Criteria: NYGC Assertion Criteria 2020. Collection method: clinical testing. Allele origin: germline. Observed: 1 heterozygote.
Comment: The heterozygous c.10845C>A variant identified in APOB has not previously been reported in the literature or public variant repositories (ClinVar andLOVD), and is absent from population databases (gnomAD v2.1.1 and v3.1.2, TOPMed Freeze 8) suggesting it is not a common benign variant in the populations represented in those databases. The c.10845C>A variant is located in exon 26 of this 29-exon gene, and the predicted p.(Asp3615Glu) variant replaces aspartate amino acid with glutamate at position 3615. In silico predictions are not in favor of deleterious effect of the variant on the encoded protein (CADD v1.6= 9.3, REVEL=0.034). Based on available evidence this heterozygous c.10845C>A variant in APOB is classified as a Variant of Uncertain Significance.